The following is an entry in ClinVar:

NM_138735.4(NRXN1):c.49GGC[11] (p.Gly17[11])

Gene: NRXN1 (neurexin 1; minus strand). Cytogenetic location: 2p16.3.
Variant type: Microsatellite.
Coding change: c.49GGC[11] on transcript NM_138735.4; 11 copies in a row of the 3-base unit GGC starting at c.49.
Protein change: p.Gly17[11].
Molecular consequence: intron variant (on NM_001330078.2). On other transcripts: inframe insertion (4).
Genome position: GRCh38 VCF-style: chr2-50346870-G-GCGC. GRCh37 (hg19) VCF-style: chr2-50574008-G-GCGC.
Other names: c.50GCG[11], p.Gly26dup (NM_001330091.2, NM_001330092.2, NM_001330097.2 and 1 more transcripts); c.3254-109930GCG[11] (NM_001330096.2, NM_001330087.2); c.3299-109930GCG[11] (NM_001330083.2, NM_001330084.2); c.3284-109930GCG[11] (NM_001330088.2); c.3362-109930GCG[11] (NM_001330093.2); c.3353-109930GCG[11] (NM_001330094.2); c.3314-109930GCG[11] (NM_001330095.2); c.3341-109930GCG[11] (NM_001330082.2, NM_001330077.2); and 4 more.
Identifiers: ClinVar variation 282592 (VCV000282592.29), dbSNP rs750165040, ClinGen allele CA10604227.

ClinVar aggregate classification (germline): Conflicting classifications of pathogenicity. Review status: criteria provided, conflicting classifications (1 of 4 stars). 7 submissions from 7 submitters: Uncertain significance (1); Benign (1); Likely benign (4). 1 of the submissions does not count toward it. Last evaluated 2025-11-10.

Conditions:
Inborn genetic diseases. Identifiers: MedGen C0950123, MeSH D030342.
Pitt-Hopkins-like syndrome 2 (PTHSL2). Identifiers: Orphanet 221150, Orphanet 600663, MedGen C3280479, MONDO:0013690, OMIM 614325.
Chromosome 2p16.3 deletion syndrome. Identifiers: MedGen C3808494, MONDO:0013696, OMIM 614332.
NRXN1-related disorder.

Submissions (7):

Labcorp Genetics (formerly Invitae), Labcorp
Classification: Likely benign for Pitt-Hopkins-like syndrome 2. Last evaluated: 2025-11-10. Review status: criteria provided, single submitter. Criteria: Invitae Variant Classification Sherloc (09022015). Collection method: clinical testing. Allele origin: germline.

Blueprint Genetics
Classification: Likely benign. Last evaluated: 2024-11-22. Review status: criteria provided, single submitter. Criteria: ACMG Guidelines, 2015. Collection method: clinical testing. Allele origin: germline.

Ambry Genetics
Classification: Likely benign for Inborn genetic diseases. Last evaluated: 2019-01-26. Review status: criteria provided, single submitter. Criteria: Ambry Variant Classification Scheme 2023. Collection method: clinical testing. Allele origin: germline.

Eurofins Ntd Llc (ga)
Classification: Uncertain significance. Last evaluated: 2016-07-19. Review status: criteria provided, single submitter. Criteria: EGL Classification Definitions. Collection method: clinical testing. Allele origin: germline. Observed: 1 variant allele, 1 heterozygote.

GeneDx
Classification: Benign. Last evaluated: 2015-09-02. Review status: criteria provided, single submitter. Criteria: GeneDx Variant Classification Process June 2021. Collection method: clinical testing. Allele origin: germline. Affected: yes.
Comment: This variant is associated with the following publications: (PMID: 29619247)

Center for Genomics, Ann and Robert H. Lurie Children's Hospital of Chicago
Classification: Likely benign for Pitt-Hopkins-like syndrome 2; Chromosome 2p16.3 deletion syndrome. Review status: criteria provided, single submitter. Criteria: ACMG Guidelines, 2015. Collection method: clinical testing. Allele origin: germline.
Comment: NRXN1 NM_138735.4 exon 1 p.Gly26dup (c.77_79dup): This variant has been reported in the literature in 1 individual with epilepsy (Friedman 2018 PMID:29619247). This variant is present in 0.1% (15/13472) of Latino alleles in the Genome Aggregation Database. Evolutionary conservation and computational predictive tools for this variant are limited or unavailable. This variant represents an in-frame duplication of 1 Glycine amino acid at position 26 within a repeat region and is not predicted to alter the reading frame. However, the effect of this variant on the protein is unclear. In summary, data on this variant is insufficient for disease classification. Therefore, the clinical significance of this variant is uncertain.

PreventionGenetics, part of Exact Sciences
Classification: Likely benign for NRXN1-related condition. Last evaluated: 2022-01-28. Review status: no assertion criteria provided. Collection method: clinical testing. Allele origin: germline. Not counted in ClinVar's aggregate classification.
Comment: This variant is classified as likely benign based on ACMG/AMP sequence variant interpretation guidelines (Richards et al. 2015 PMID: 25741868, with internal and published modifications).